The following is an entry in ClinVar:

ClinVar aggregate classification (germline): Uncertain significance (1 of 4 stars; one submission).

Conditions:
GBF1-related disorder. Also called: GBF1-related condition.

Allele frequency attached by ClinVar (database versions not stated): ExAC 0.00001; TOPMed 0.00001; gnomAD 0.00003; gnomAD exomes 0.00007; 1000 Genomes Project 30x 0.00016; 1000 Genomes Project 0.00020.
gnomAD v4.1: 108 of 1,613,498 alleles (0.0067%); highest among the groups gnomAD compares: Non-Finnish European, 0.0087%; no homozygotes.

Submission:

PreventionGenetics, part of Exact Sciences
Classification: Uncertain significance for GBF1-related condition. Last evaluated: 2023-04-06. Review status: criteria provided, single submitter. Criteria: ACMG Guidelines, 2015. Collection method: clinical testing. Allele origin: germline.
Comment: The GBF1 c.3458C>T variant is predicted to result in the amino acid substitution p.Ala1153Val. To our knowledge, this variant has not been reported in the literature. This variant is reported in 0.0047% of alleles in individuals of European (Non-Finnish) descent in gnomAD. At this time, the clinical significance of this variant is uncertain due to the absence of conclusive functional and genetic evidence.

NM_001377137.1(GBF1):c.3461C>T (p.Ala1154Val)

Gene: GBF1 (golgi brefeldin A resistant guanine nucleotide exchange factor 1; plus strand). Cytogenetic location: 10q24.32.
Variant type: single nucleotide variant.
Coding change: c.3461C>T on transcript NM_001377137.1 (MANE Select); coding-DNA position 3461, C replaced by T.
Protein change: p.Ala1154Val; replaces alanine 1154 with valine.
Molecular consequence: missense variant. On other transcripts: non-coding transcript variant (5).
Genome position (GRCh38, 1-based): chr10:102,370,433, C>T. VCF-style: chr10-102370433-C-T. GRCh37 (hg19) VCF-style: chr10-104130190-C-T.
Other names: c.3461C>T, p.Ala1154Val (NM_001199378.2, NM_001391923.1); c.3458C>T, p.Ala1153Val (NM_001199379.2, NM_001377141.1, NM_001391924.1 and 3 more transcripts); c.3422C>T, p.Ala1141Val (NM_001377138.1, NM_001391925.1); c.3164C>T, p.Ala1055Val (NM_001377139.1, NM_001377140.1); c.3557C>T, p.Ala1186Val (NM_001391922.1, NM_001411027.1); c.3425C>T, p.Ala1142Val (NM_001391926.1); c.3317C>T, p.Ala1106Val (NM_001391928.1); c.3221C>T, p.Ala1074Val (NM_001391929.1); and 2 more; short protein forms A1027V, A1055V, A1074V, A1106V, A1141V, A1142V, A1153V, A1154V.
Identifiers: ClinVar variation 2631954 (VCV002631954.1), dbSNP rs200564979, ClinGen allele CA5663782.
Genomic context (GRCh38, chr10:102,370,433, plus strand): 5'-TTCCCCTTCAGGCTCTGGTCTCAGTGACACCAGATGAAGAGACATATGATGAGGAAGATG[C>T]TGCTTTCTGCCTAGAGATGCTGCTAAGGATTGTGTTGGAGAACAGGTAAGATGAGCGTAG-3'
Protein context (NP_001364066.1, residues 1144-1164): PDEETYDEED[Ala1154Val]AFCLEMLLRI